The following is an entry in ClinVar:

NM_004006.3(DMD):c.1162G>T (p.Asp388Tyr)

Gene: DMD (dystrophin; minus strand). Cytogenetic location: Xp21.1.
Variant type: single nucleotide variant.
Coding change: c.1162G>T on transcript NM_004006.3 (MANE Select); coding-DNA position 1162, G replaced by T.
Protein change: p.Asp388Tyr; replaces aspartic acid 388 with tyrosine.
Molecular consequence: missense variant.
Genome position (GRCh38, 1-based): chrX:32,644,301, C>A on the plus strand (G>T on the coding strand, the complement: DMD is on the minus strand). VCF-style: chrX-32644301-C-A. GRCh37 (hg19) VCF-style: chrX-32662418-C-A.
Other names: c.1138G>T, p.Asp380Tyr (NM_000109.4); c.1150G>T, p.Asp384Tyr (NM_004009.3); c.793G>T, p.Asp265Tyr (NM_004010.3); short protein forms D384Y, D388Y, D380Y, D265Y.
Identifiers: ClinVar variation 849843 (VCV000849843.10), dbSNP rs1454929812, ClinGen allele CA412661434.
Genomic context (GRCh38, chrX:32,644,301, plus strand): 5'-CAATCAGCTTACTTCCCAATTGTAGAATATTACCAACCCGGCCCTGATGGGCTGTCAAAT[C>A]CATCATGTACCCCTGACAAAGAAGGAAGTTAACAATTGTAATTAGAACTCTAGGTAAATC-3'
Protein context (NP_003997.2, residues 378-398): QFHTHEGYMM[Asp388Tyr]LTAHQGRVGN

ClinVar aggregate classification (germline): Conflicting classifications of pathogenicity. Review status: criteria provided, conflicting classifications (1 of 4 stars). 3 submissions from 3 submitters: Uncertain significance (1); Likely benign (1). 1 of the submissions does not count toward it. Last evaluated 2025-10-02.

Conditions:
Duchenne muscular dystrophy (DMD). Also called: Duchenne Muscular Dystrophy (DMD); MUSCULAR DYSTROPHY, PSEUDOHYPERTROPHIC PROGRESSIVE, DUCHENNE TYPE. Identifiers: Orphanet 98896, MedGen C0013264, MONDO:0010679, OMIM 310200.
Dystrophin deficiency.
Cardiovascular phenotype. Identifiers: MedGen CN230736.

Allele frequency attached by ClinVar (database versions not stated): gnomAD exomes below 0.00001 and 0.00001.
gnomAD v4.1: 5 of 1,210,387 alleles (0.00041%); highest among the groups gnomAD compares: Non-Finnish European, 0.00056%; no homozygotes.

Submissions (3):

Labcorp Genetics (formerly Invitae), Labcorp
Classification: Likely benign for Duchenne muscular dystrophy. Last evaluated: 2025-10-02. Review status: criteria provided, single submitter. Criteria: Invitae Variant Classification Sherloc (09022015). Collection method: clinical testing. Allele origin: germline.

Ambry Genetics
Classification: Uncertain significance for Cardiovascular phenotype. Last evaluated: 2021-03-02. Review status: criteria provided, single submitter. Criteria: Ambry Variant Classification Scheme 2023. Collection method: clinical testing. Allele origin: germline.
Comment: The p.D388Y variant (also known as c.1162G>T), located in coding exon 11 of the DMD gene, results from a G to T substitution at nucleotide position 1162. The aspartic acid at codon 388 is replaced by tyrosine, an amino acid with highly dissimilar properties. Based on data from gnomAD, the T allele has an overall frequency of 0.0005% (1/182852) total alleles studied, with 1 hemizygote observed. The highest observed frequency was 0.001% (1/81534) of non-Finnish European alleles. This amino acid position is not well conserved in available vertebrate species. In addition, this alteration is predicted to be tolerated by in silico analysis. Since supporting evidence is limited at this time, the clinical significance of this alteration remains unclear.

Natera, Inc.
Classification: Uncertain significance for Dystrophin deficiency. Last evaluated: 2020-09-16. Review status: no assertion criteria provided. Collection method: clinical testing. Allele origin: germline. Not counted in ClinVar's aggregate classification.